The following is an entry in ClinVar:

ClinVar aggregate classification (germline): Uncertain significance (0 of 4 stars; one submission).

Conditions:
TTC21B-related disorder. Also called: TTC21B-related condition; TTC21B-related disorders.

gnomAD v4.1: 1 of 1,614,130 alleles (0.000062%); highest among the groups gnomAD compares: Non-Finnish European, 0.000085%; no homozygotes.

Submission:

PreventionGenetics, part of Exact Sciences
Classification: Uncertain significance for TTC21B-related condition. Last evaluated: 2024-08-22. Review status: no assertion criteria provided. Collection method: clinical testing. Allele origin: germline.
Comment: The TTC21B c.1951T>C variant is predicted to result in the amino acid substitution p.Ser651Pro. To our knowledge, this variant has not been reported in the literature or in a large population database, indicating this variant is rare. At this time, the clinical significance of this variant is uncertain due to the absence of conclusive functional and genetic evidence.

NM_024753.5(TTC21B):c.1951T>C (p.Ser651Pro)

Gene: TTC21B (tetratricopeptide repeat domain 21B; minus strand). Cytogenetic location: 2q24.3.
Variant type: single nucleotide variant.
Coding change: c.1951T>C on transcript NM_024753.5 (MANE Select); coding-DNA position 1951, T replaced by C.
Protein change: p.Ser651Pro; replaces serine 651 with proline.
Molecular consequence: missense variant.
Genome position (GRCh38, 1-based): chr2:165,915,388, A>G on the plus strand (T>C on the coding strand, the complement: TTC21B is on the minus strand). VCF-style: chr2-165915388-A-G. GRCh37 (hg19) VCF-style: chr2-166771898-A-G.
Other names: short protein forms S651P.
Identifiers: ClinVar variation 3345581 (VCV003345581.1).
Genomic context (GRCh38, chr2:165,915,388, plus strand): 5'-CAATATCTCCTTGGGCTAGAGCAAGGTCTGCATTAGCAATGGTAACCCGCACTTCTTCAG[A>G]TGTTCCAGAAAATTCATGGATGGCATCTTGTAAAACTTTGGTTGCCTCATGCTGTAAAGA-3'
Protein context (NP_079029.3, residues 641-661): QDAIHEFSGT[Ser651Pro]EEVRVTIANA